The following is an entry in ClinVar:

NM_001330074.2(WASHC2C):c.1707G>A (p.Ser569=)

Gene: WASHC2C (WASH complex subunit 2C; plus strand). Cytogenetic location: 10q11.22.
Variant type: single nucleotide variant.
Coding change: c.1707G>A on transcript NM_001330074.2 (MANE Select); coding-DNA position 1707, G replaced by A.
Protein change: p.Ser569=; no amino-acid change (serine 569 retained).
Molecular consequence: synonymous variant. On other transcripts: 5 prime UTR variant (1), non-coding transcript variant (1).
Genome position (GRCh38, 1-based): chr10:45,763,459, G>A. VCF-style: chr10-45763459-G-A. GRCh37 (hg19) VCF-style: chr10-46258907-G-A.
Other names: c.1707G>A, p.Ser569= (NM_001169106.2, NM_001367397.1, NM_001367408.1 and 2 more transcripts); c.1635G>A, p.Ser545= (NM_001169107.2, NM_001367394.1, NM_001367395.1 and 4 more transcripts); c.1701G>A, p.Ser567= (NM_001367393.1); c.1056G>A, p.Ser352= (NM_001367398.1); c.1443G>A, p.Ser481= (NM_001367399.1, NM_001367410.1); c.1620G>A, p.Ser540= (NM_001367401.1); c.1128G>A, p.Ser376= (NM_001367402.1, NM_001367405.1, NM_001367407.1 and 2 more transcripts); c.1548G>A, p.Ser516= (NM_001367404.1); and 3 more.
Identifiers: ClinVar variation 4084653 (VCV004084653.8).

ClinVar aggregate classification (germline): Likely benign (1 of 4 stars; one submission).

gnomAD v4.1: 19 of 879,818 alleles (0.0022%); highest among the groups gnomAD compares: African/African-American, 0.0087%; no homozygotes.

Submission:

CeGaT Center for Human Genetics Tuebingen
Classification: Likely benign. Last evaluated: 2025-06-01. Review status: criteria provided, single submitter. Criteria: CeGaT Center For Human Genetics Tuebingen Variant Classification Criteria Version 2. Collection method: clinical testing. Allele origin: germline. Affected: yes. Observed: 1 variant allele.
Comment: WASHC2C: BP4, BP7